The following is an entry in ClinVar:

ClinVar aggregate classification (germline): Uncertain significance (1 of 4 stars; one submission).

Conditions:
Fanconi anemia (FA). Also called: Fanconi's anemia. Identifiers: Orphanet 84, MedGen C0015625, MeSH D005199, MONDO:0019391.

gnomAD v4.1: 2 of 1,613,898 alleles (0.00012%); highest among the groups gnomAD compares: Admixed American, 0.0033%; no homozygotes.

Submission:

Labcorp Genetics (formerly Invitae), Labcorp
Classification: Uncertain significance for Fanconi anemia. Last evaluated: 2021-01-21. Review status: criteria provided, single submitter. Criteria: Invitae Variant Classification Sherloc (09022015). Collection method: clinical testing. Allele origin: germline.
Comment: This sequence change falls in intron 20 of the FANCA gene. It does not directly change the encoded amino acid sequence of the FANCA protein. It affects a nucleotide within the consensus splice site of the intron. This variant is not present in population databases (ExAC no frequency). This variant has not been reported in the literature in individuals with FANCA-related conditions. Nucleotide substitutions within the consensus splice site are a relatively common cause of aberrant splicing (PMID: 17576681, 9536098). Algorithms developed to predict the effect of sequence changes on RNA splicing suggest that this variant may disrupt the consensus splice site, but this prediction has not been confirmed by published transcriptional studies. In summary, the available evidence is currently insufficient to determine the role of this variant in disease. Therefore, it has been classified as a Variant of Uncertain Significance.

Literature cited by the submitters: PubMed 17576681; PubMed 9536098.

NM_000135.4(FANCA):c.1826+5G>A

Gene: FANCA (FA complementation group A; minus strand). Cytogenetic location: 16q24.3.
Variant type: single nucleotide variant.
Coding change: c.1826+5G>A on transcript NM_000135.4 (MANE Select); 5 bases into the intron after coding-DNA position 1826, G replaced by A.
Molecular consequence: intron variant.
Genome position (GRCh38, 1-based): chr16:89,778,796, C>T on the plus strand (G>A on the coding strand, the complement: FANCA is on the minus strand). VCF-style: chr16-89778796-C-T. GRCh37 (hg19) VCF-style: chr16-89845204-C-T.
Other names: c.1826+5G>A (NM_001286167.3).
Identifiers: ClinVar variation 2083120 (VCV002083120.1), dbSNP rs1187284295, ClinGen allele CA725723944.
Genomic context (GRCh38, chr16:89,778,796, plus strand): 5'-ACAATTCTTCGCATTGTCAGAAGAAACCTGGAAGTAGTCATCCCCTTCTAACCGTTGCTG[C>T]ATACCTCTTCAGAGACTCTATAAACGCCACACGGGAGTCAGGGACTTTGGGGAGCTGTGG-3'